The following is an entry in ClinVar:

ClinVar aggregate classification (germline): Uncertain significance (1 of 4 stars; one submission).

Allele frequency attached by ClinVar (database versions not stated): 1000 Genomes Project 0.00020; TOPMed 0.00001; gnomAD 0.00005; 1000 Genomes Project 30x 0.00016.
gnomAD v4.1: 38 of 1,482,842 alleles (0.0026%); highest among the groups gnomAD compares: African/African-American, 0.0084%; 1 homozygote.

Submission:

Ambry Genetics
Classification: Uncertain significance. Last evaluated: 2026-06-04. Review status: criteria provided, single submitter. Criteria: Ambry Variant Classification Scheme 2023. Collection method: clinical testing. Allele origin: germline.
Comment: The c.4850G>A (p.R1617Q) alteration is located in exon 30 (coding exon 30) of the CROCC gene. This alteration results from a G to A substitution at nucleotide position 4850, causing the arginine (R) at amino acid position 1617 to be replaced by a glutamine (Q). Based on data from gnomAD, the A allele has an overall frequency of 0.004% (5/125108) total alleles studied. The highest observed frequency was 0.008% (4/51236) of European (non-Finnish) alleles. Based on insufficient or conflicting evidence, the clinical significance of this alteration remains unclear.

NM_014675.5(CROCC):c.4850G>A (p.Arg1617Gln)

Gene: CROCC (ciliary rootlet coiled-coil, rootletin; plus strand). Cytogenetic location: 1p36.13.
Variant type: single nucleotide variant.
Coding change: c.4850G>A on transcript NM_014675.5 (MANE Select); coding-DNA position 4850, G replaced by A.
Protein change: p.Arg1617Gln; replaces arginine 1617 with glutamine.
Molecular consequence: missense variant.
Genome position (GRCh38, 1-based): chr1:16,966,561, G>A. VCF-style: chr1-16966561-G-A. GRCh37 (hg19) VCF-style: chr1-17293056-G-A.
Other names: short protein forms R1617Q.
Identifiers: ClinVar variation 2591242 (VCV002591242.3), dbSNP rs566509715, ClinGen allele CA18608126.
Genomic context (GRCh38, chr1:16,966,561, plus strand): 5'-CCACGCTGGACCAGGTGGCCACACTGGAGAGGAGCCTGCAGGCCACCGAGAGCGAGCTCC[G>A]GGCCAGCCAGGTGGGCAGGAGCTGAGGGCCAGCGGGGCGACGGGGAATCTGTGTACCCGA-3'
Protein context (NP_055490.4, residues 1607-1627): RSLQATESEL[Arg1617Gln]ASQEKISKMK